The following is an entry in ClinVar:

ClinVar aggregate classification (germline): Uncertain significance (1 of 4 stars; one submission).

Conditions:
Ehlers-Danlos syndrome, classic type, 1 (EDSCL1). Also called: EDS I; Ehlers-Danlos syndrome, type 1; EHLERS-DANLOS SYNDROME, GRAVIS TYPE; EHLERS-DANLOS SYNDROME, SEVERE CLASSIC TYPE; Ehlers-Danlos Syndrome, Classic Type, COL5A1-Related. Identifiers: MedGen C0268335, MONDO:0019567, OMIM 130000.

Submission:

Labcorp Genetics (formerly Invitae), Labcorp
Classification: Uncertain significance for Ehlers-Danlos syndrome, classic type, 1. Last evaluated: 2023-03-26. Review status: criteria provided, single submitter. Criteria: Invitae Variant Classification Sherloc (09022015). Collection method: clinical testing. Allele origin: germline.
Comment: In summary, the available evidence is currently insufficient to determine the role of this variant in disease. Therefore, it has been classified as a Variant of Uncertain Significance. Advanced modeling of protein sequence and biophysical properties (such as structural, functional, and spatial information, amino acid conservation, physicochemical variation, residue mobility, and thermodynamic stability) performed at Invitae indicates that this missense variant is not expected to disrupt COL5A2 protein function. ClinVar contains an entry for this variant (Variation ID: 1721731). This variant has not been reported in the literature in individuals affected with COL5A2-related conditions. This variant is not present in population databases (gnomAD no frequency). This sequence change replaces threonine, which is neutral and polar, with serine, which is neutral and polar, at codon 458 of the COL5A2 protein (p.Thr458Ser).

NM_000393.5(COL5A2):c.1372A>T (p.Thr458Ser)

Gene: COL5A2 (collagen type V alpha 2 chain; minus strand). Cytogenetic location: 2q32.2.
Variant type: single nucleotide variant.
Coding change: c.1372A>T on transcript NM_000393.5 (MANE Select); coding-DNA position 1372, A replaced by T.
Protein change: p.Thr458Ser; replaces threonine 458 with serine.
Molecular consequence: missense variant.
Genome position (GRCh38, 1-based): chr2:189,068,044, T>A on the plus strand (A>T on the coding strand, the complement: COL5A2 is on the minus strand). VCF-style: chr2-189068044-T-A. GRCh37 (hg19) VCF-style: chr2-189932770-T-A.
Other names: short protein forms T458S.
Identifiers: ClinVar variation 1721731 (VCV001721731.6), dbSNP rs2469310995, ClinGen allele CA349852660.